The following is an entry in ClinVar:

ClinVar aggregate classification (germline): Uncertain significance (1 of 4 stars; one submission).

gnomAD v4.1: 1 of 1,612,668 alleles (0.000062%); highest among the groups gnomAD compares: South Asian, 0.0011%; no homozygotes.

Submission:

GeneDx
Classification: Uncertain significance. Last evaluated: 2024-06-22. Review status: criteria provided, single submitter. Criteria: GeneDx Variant Classification Process June 2021. Collection method: clinical testing. Allele origin: germline. Affected: yes.
Comment: Not observed at significant frequency in large population cohorts (gnomAD); In silico analysis indicates that this missense variant does not alter protein structure/function; Has not been previously published as pathogenic or benign to our knowledge; Reported using an alternate transcript of the gene

NM_000238.4(KCNH2):c.2398+102T>A

Gene: KCNH2 (potassium voltage-gated channel subfamily H member 2; minus strand). Cytogenetic location: 7q36.1.
Variant type: single nucleotide variant.
Coding change: c.2398+102T>A on transcript NM_000238.4 (MANE Select); 102 bases into the intron after coding-DNA position 2398, T replaced by A.
Molecular consequence: intron variant. On other transcripts: missense variant (5).
Genome position (GRCh38, 1-based): chr7:150,950,066, A>T on the plus strand (T>A on the coding strand, the complement: KCNH2 is on the minus strand). VCF-style: chr7-150950066-A-T. GRCh37 (hg19) VCF-style: chr7-150647154-A-T.
Other names: c.1480T>A, p.Cys494Ser (NM_001204798.2); c.2323T>A, p.Cys775Ser (NM_001406755.1); c.2212T>A, p.Cys738Ser (NM_001406756.1); c.2200T>A, p.Cys734Ser (NM_001406757.1); c.2500T>A, p.Cys834Ser (NM_172056.3); c.2110+102T>A (NM_001406753.1); c.1378+102T>A (NM_172057.3); short protein forms C494S, C734S, C738S, C775S, C834S.
Identifiers: ClinVar variation 3391449 (VCV003391449.1).